The following is an entry in ClinVar:

NM_182931.3(KMT2E):c.2822C>T (p.Thr941Ile)

Gene: KMT2E (lysine methyltransferase 2E (inactive); plus strand). Cytogenetic location: 7q22.3.
Variant type: single nucleotide variant.
Coding change: c.2822C>T on transcript NM_182931.3 (MANE Select); coding-DNA position 2822, C replaced by T.
Protein change: p.Thr941Ile; replaces threonine 941 with isoleucine.
Molecular consequence: missense variant.
Genome position (GRCh38, 1-based): chr7:105,106,747, C>T. VCF-style: chr7-105106747-C-T. GRCh37 (hg19) VCF-style: chr7-104747194-C-T.
Other names: c.2822C>T, p.Thr941Ile (NM_001410908.1, NM_018682.4); short protein forms T941I.
Identifiers: ClinVar variation 3703207 (VCV003703207.2).
Genomic context (GRCh38, chr7:105,106,747, plus strand): 5'-AAACTTGTAGAAATGGTTATAAACCCATATATTCACCAGTTACCCCAGTAACTCCTGGTA[C>T]ACCAGGAAATACCATGCACTTTGAGGTGAGAAATTTTAATGGAGAAAAAAAAATTCAACA-3'
Protein context (NP_891847.1, residues 931-951): YSPVTPVTPG[Thr941Ile]PGNTMHFENI

ClinVar aggregate classification (germline): Uncertain significance (1 of 4 stars; one submission).

gnomAD v4.1: 12 of 1,612,632 alleles (0.00074%); highest among the groups gnomAD compares: African/African-American, 0.004%; no homozygotes.

Submission:

Labcorp Genetics (formerly Invitae), Labcorp
Classification: Uncertain significance. Last evaluated: 2024-12-07. Review status: criteria provided, single submitter. Criteria: Invitae Variant Classification Sherloc (09022015). Collection method: clinical testing. Allele origin: germline.
Comment: This sequence change replaces threonine, which is neutral and polar, with isoleucine, which is neutral and non-polar, at codon 941 of the KMT2E protein (p.Thr941Ile). This variant is present in population databases (rs759296282, gnomAD 0.007%). This variant has not been reported in the literature in individuals affected with KMT2E-related conditions. Invitae Evidence Modeling of protein sequence and biophysical properties (such as structural, functional, and spatial information, amino acid conservation, physicochemical variation, residue mobility, and thermodynamic stability) indicates that this missense variant is not expected to disrupt KMT2E protein function with a negative predictive value of 80%. In summary, the available evidence is currently insufficient to determine the role of this variant in disease. Therefore, it has been classified as a Variant of Uncertain Significance.